The following is an entry in ClinVar:

NM_003070.5(SMARCA2):c.885_902del (p.Gln296_Ala301del)

Gene: SMARCA2 (SWI/SNF related BAF chromatin remodeling complex subunit ATPase 2; plus strand). Cytogenetic location: 9p24.3.
Variant type: Deletion.
Coding change: c.885_902del on transcript NM_003070.5 (MANE Select); coding-DNA positions 885 to 902, 18 bases deleted (GCAGCCGCCCGCGGCCGC).
Protein change: p.Gln296_Ala301del.
Molecular consequence: inframe deletion. On other transcripts: inframe indel (1).
Genome position (GRCh38, 1-based): chr9:2,047,323-2,047,340, GCAGCCGCCCGCGGCCGC deleted; deleting any 18 consecutive bases within chr9:2,047,318-2,047,340 gives the same sequence; the c. name uses the placement nearest the transcript's 3' end. VCF-style (leftmost placement, unchanged base first): chr9-2047317-AGCCGCGCAGCCGCCCGCG-A. GRCh37 (hg19) VCF-style: chr9-2047317-AGCCGCGCAGCCGCCCGCG-A.
Other names: c.885_902del18, p.Gln296_Ala301del (NM_001289396.2); c.885_902del, p.Gln296_Ala301del (NM_001289397.2, NM_139045.4).
Identifiers: ClinVar variation 2446338 (VCV002446338.1), dbSNP rs1188535850, ClinGen allele CA586168162.

ClinVar aggregate classification (germline): Uncertain significance (1 of 4 stars; one submission).

Submission:

GeneDx
Classification: Uncertain significance. Last evaluated: 2022-09-22. Review status: criteria provided, single submitter. Criteria: GeneDx Variant Classification Process June 2021. Collection method: clinical testing. Allele origin: germline. Affected: yes.
Comment: In-frame deletion of 6 amino acids in a non-repeat region; In silico analysis supports that this variant does not alter protein structure/function; Has not been previously published as pathogenic or benign to our knowledge